The following is an entry in ClinVar:

NM_016333.4(SRRM2):c.109A>G (p.Lys37Glu)

Gene: SRRM2 (serine/arginine repetitive matrix 2; plus strand). Cytogenetic location: 16p13.3.
Variant type: single nucleotide variant.
Coding change: c.109A>G on transcript NM_016333.4 (MANE Select); coding-DNA position 109, A replaced by G.
Protein change: p.Lys37Glu; replaces lysine 37 with glutamic acid.
Molecular consequence: missense variant.
Genome position (GRCh38, 1-based): chr16:2,756,473, A>G. VCF-style: chr16-2756473-A-G. GRCh37 (hg19) VCF-style: chr16-2806474-A-G.
Other names: short protein forms K37E.
Identifiers: ClinVar variation 3376795 (VCV003376795.1).

ClinVar aggregate classification (germline): Uncertain significance (1 of 4 stars; one submission).

Conditions:
Neurodevelopmental disorder. Identifiers: MedGen C1535926, MeSH D065886, MONDO:0700092.

Submission:

Victorian Clinical Genetics Services, Murdoch Childrens Research Institute
Classification: Uncertain significance for Neurodevelopmental disorder. Last evaluated: 2023-07-16. Review status: criteria provided, single submitter. Criteria: ACMG Guidelines, 2015. Collection method: clinical testing. Allele origin: germline. Inheritance: Autosomal dominant inheritance. Affected: yes.
Comment: Based on the classification scheme VCGS_Germline_v1.3.4, this variant is classified as VUS-3B. Following criteria are met: 0102 - Loss of function is a known mechanism of disease in this gene and is associated with neurodevelopmental disorder (MONDO:0700092), SRRM2-related (PMID: 35567594). The mechanism of missense variants is unknown. (I) 0107 - This gene is associated with autosomal dominant disease. (I) 0200 - Variant is predicted to result in a missense amino acid change from lysine to glutamic acid. (I) 0251 - This variant is heterozygous. (I) 0301 - Variant is absent from gnomAD (both v2 and v3). (SP) 0502 - Missense variant with conflicting in silico predictions and uninformative conservation. (I) 0604 - Variant is not located in an established domain, motif, hotspot or informative constraint region. (I) 0705 - No comparable missense variants have previous evidence for pathogenicity. (I) 0807 - This variant has no previous evidence of pathogenicity. (I) 0905 - No published segregation evidence has been identified for this variant. (I) 1007 - No published functional evidence has been identified for this variant. (I) 1208 - Inheritance information for this variant is not currently available in this individual. (I) Legend: (SP) - Supporting pathogenic, (I) - Information, (SB) - Supporting benign

Literature cited by the submitters: PubMed 35567594.